The following is an entry in ClinVar:

NM_001384140.1(PCDH15):c.2151del (p.Phe717fs)

Gene: PCDH15 (protocadherin related 15; minus strand). Cytogenetic location: 10q21.1.
Variant type: Deletion.
Coding change: c.2151del on transcript NM_001384140.1 (MANE Select); coding-DNA position 2151, one base deleted (T; older notation c.2151delT).
Protein change: p.Phe717fs; shifts the reading frame from phenylalanine 717.
Molecular consequence: frameshift variant.
Genome position (GRCh38, 1-based): chr10:54,066,826, A deleted on the plus strand (T on the coding strand, the reverse complement: PCDH15 is on the minus strand); the first of 3 consecutive A bases (chr10:54,066,826-54,066,828); deleting any one gives the same sequence. VCF-style (leftmost placement, unchanged base first): chr10-54066825-CA-C. GRCh37 (hg19) VCF-style: chr10-55826585-CA-C.
Other names: c.2166del, p.Phe722fs (NM_001142763.2, NM_001142771.2); c.2151del, p.Phe717fs (NM_001142764.2, NM_001142766.2, NM_001142770.3 and 5 more transcripts); c.1938del, p.Phe646fs (NM_001142765.2); c.2040del, p.Phe680fs (NM_001142767.2); c.2085del, p.Phe695fs (NM_001142768.2, NM_001142773.2, NM_001354404.2); c.2185delT, p.Phe729Leufs (NM_001142769.4); c.2172del, p.Phe724fs (NM_001354411.2); short protein forms F646fs, F680fs, F695fs, F717fs, F722fs, F724fs, F729fs.
Identifiers: ClinVar variation 2677546 (VCV002677546.4), dbSNP rs2539767594, ClinGen allele CA2695199491.
Genomic context (GRCh38, chr10:54,066,825, plus strand): 5'-GACCCACAAAGGCATTGGCTTCTTCTTCCACCACAGATAAATTTCTTGGCAGATAAGGAT[CA>C]AACACTGGAGCATTGTCATTGACATCTGTCACCACTATGTTTACTGTGGCAGTTGAGGTC-3'

ClinVar aggregate classification (germline): Pathogenic/Likely pathogenic. Review status: criteria provided, multiple submitters, no conflicts (2 of 4 stars). 2 submissions from 2 submitters: Pathogenic (1); Likely pathogenic (1). Last evaluated 2023-07-16.

Conditions:
Autosomal recessive nonsyndromic hearing loss 23. Identifiers: Orphanet 90636, MedGen C1836027, MONDO:0012293, OMIM 609533.

Submissions (2):

Labcorp Genetics (formerly Invitae), Labcorp
Classification: Pathogenic. Last evaluated: 2023-07-16. Review status: criteria provided, single submitter. Criteria: Invitae Variant Classification Sherloc (09022015). Collection method: clinical testing. Allele origin: germline.
Comment: This variant is not present in population databases (gnomAD no frequency). For these reasons, this variant has been classified as Pathogenic. This variant has not been reported in the literature in individuals affected with PCDH15-related conditions. This sequence change creates a premature translational stop signal (p.Phe717Leufs*23) in the PCDH15 gene. It is expected to result in an absent or disrupted protein product. Loss-of-function variants in PCDH15 are known to be pathogenic (PMID: 11398101, 11487575, 14570705).

Baylor Genetics
Classification: Likely pathogenic for Autosomal recessive nonsyndromic hearing loss 23. Last evaluated: 2023-07-07. Review status: criteria provided, single submitter. Criteria: ACMG Guidelines, 2015. Collection method: clinical testing. Allele origin: unknown.

Literature cited by the submitters: PubMed 11398101 (cited by Labcorp Genetics (formerly Invitae), Labcorp); PubMed 11487575 (cited by Labcorp Genetics (formerly Invitae), Labcorp); PubMed 14570705 (cited by Labcorp Genetics (formerly Invitae), Labcorp).